The following is an entry in ClinVar:

NM_001031689.3(PLAA):c.1124T>A (p.Ile375Lys)

Gene: PLAA (phospholipase A2 activating protein; minus strand). Cytogenetic location: 9p21.2.
Variant type: single nucleotide variant.
Coding change: c.1124T>A on transcript NM_001031689.3 (MANE Select); coding-DNA position 1124, T replaced by A.
Protein change: p.Ile375Lys; replaces isoleucine 375 with lysine.
Molecular consequence: missense variant.
Genome position (GRCh38, 1-based): chr9:26,920,300, A>T on the plus strand (T>A on the coding strand, the complement: PLAA is on the minus strand). VCF-style: chr9-26920300-A-T. GRCh37 (hg19) VCF-style: chr9-26920298-A-T.
Other names: c.1124T>A, p.Ile375Lys (NM_001321546.2); short protein forms I375K.
Identifiers: ClinVar variation 1378291 (VCV001378291.6), dbSNP rs2131381287, ClinGen allele CA373132528.
Genomic context (GRCh38, chr9:26,920,300, plus strand): 5'-AAAACTTTTCCAGATGTTTGCTGATTAGCACCAGATGAGCCAACAACATCACCAATTTTT[A>T]TCCACCTCCCTTCACTAACACTCCACTGATAGGCTTCGACTTTCTCCCCATCTCTGATTA-3'
Protein context (NP_001026859.1, residues 365-385): YQWSVSEGRW[Ile375Lys]KIGDVVGSSG

ClinVar aggregate classification (germline): Uncertain significance (1 of 4 stars; one submission).

Submission:

Labcorp Genetics (formerly Invitae), Labcorp
Classification: Uncertain significance. Last evaluated: 2022-05-21. Review status: criteria provided, single submitter. Criteria: Invitae Variant Classification Sherloc (09022015). Collection method: clinical testing. Allele origin: germline.
Comment: In summary, the available evidence is currently insufficient to determine the role of this variant in disease. Therefore, it has been classified as a Variant of Uncertain Significance. Algorithms developed to predict the effect of missense changes on protein structure and function (SIFT, PolyPhen-2, Align-GVGD) all suggest that this variant is likely to be tolerated. This variant has not been reported in the literature in individuals affected with PLAA-related conditions. This variant is not present in population databases (gnomAD no frequency). This sequence change replaces isoleucine, which is neutral and non-polar, with lysine, which is basic and polar, at codon 375 of the PLAA protein (p.Ile375Lys).